The following is an entry in ClinVar:

ClinVar aggregate classification (germline): Uncertain significance (1 of 4 stars; one submission).

Submission:

GeneDx
Classification: Uncertain significance. Last evaluated: 2024-05-06. Review status: criteria provided, single submitter. Criteria: GeneDx Variant Classification Process June 2021. Collection method: clinical testing. Allele origin: germline. Affected: yes.
Comment: Frameshift variant predicted to result in protein truncation or nonsense mediated decay in a gene or region of a gene for which loss of function is not a well-established mechanism of disease; Has not been previously published as pathogenic or benign to our knowledge

NM_021096.4(CACNA1I):c.2472dup (p.Val825fs)

Gene: CACNA1I (calcium voltage-gated channel subunit alpha1 I; plus strand). Cytogenetic location: 22q13.1.
Variant type: Duplication.
Coding change: c.2472dup on transcript NM_021096.4 (MANE Select); coding-DNA position 2472, one base duplicated (C; older notation c.2472dupC).
Protein change: p.Val825fs; shifts the reading frame from valine 825.
Molecular consequence: frameshift variant.
Genome position (GRCh38, 1-based): chr22:39,659,720, C duplicated. VCF-style (leftmost placement, unchanged base first): chr22-39659719-A-AC. GRCh37 (hg19) VCF-style: chr22-40055724-A-AC.
Other names: c.2367dup, p.Val790fs (NM_001003406.2); short protein forms V790fs, V825fs.
Identifiers: ClinVar variation 3375988 (VCV003375988.1).
Genomic context (GRCh38, chr22:39,659,719, plus strand): 5'-CTAGGGGTACCCCAGGGCTAACTGTGTCTCCCCAACAGATCCTCACCCAGGAGGACTGGA[A>AC]CGTCGTTCTCTACAATGGCATGGCCTCCACTTCTCCCTGGGCCTCCCTCTACTTTGTCGC-3'